The following is an entry in ClinVar:

NM_030665.4(RAI1):c.834GCA[10] (p.Gln289_Gln291del)

Gene: RAI1 (retinoic acid induced 1; plus strand). Cytogenetic location: 17p11.2.
Variant type: Microsatellite.
Coding change: c.834GCA[10] on transcript NM_030665.4 (MANE Select); ten copies in a row of the 3-base unit GCA starting at c.834; the reference has 13 copies in a row; three copies, 9 bases deleted.
Protein change: p.Gln289_Gln291del.
Molecular consequence: inframe deletion.
Genome position (GRCh38, 1-based): chr17:17,793,812-17,793,820, GCAGCAGCA deleted; deleting any 9 consecutive bases within chr17:17,793,780-17,793,820 gives the same sequence; the position shown is the placement nearest the transcript's 3' end. VCF-style (leftmost placement, unchanged base first): chr17-17793779-CCAGCAGCAG-C. GRCh37 (hg19) VCF-style: chr17-17697093-CCAGCAGCAG-C.
Other names: c.864_872delGCAGCAGCA (NM_030665.3).
Identifiers: ClinVar variation 196558 (VCV000196558.50), dbSNP rs371983878, ClinGen allele CA202438.

ClinVar aggregate classification (germline): Benign/Likely benign. Review status: criteria provided, multiple submitters, no conflicts (2 of 4 stars). 9 submissions from 9 submitters: Benign (5); Likely benign (3). 1 of the submissions does not count toward it. Last evaluated 2026-02-03.

Conditions:
RAI1-related disorder. Also called: RAI1-related condition.
Inborn genetic diseases. Identifiers: MedGen C0950123, MeSH D030342.

Submissions (9):

Labcorp Genetics (formerly Invitae), Labcorp
Classification: Benign. Last evaluated: 2026-02-03. Review status: criteria provided, single submitter. Criteria: Invitae Variant Classification Sherloc (09022015). Collection method: clinical testing. Allele origin: germline.

Laboratory of Genetics, Children's Clinical University Hospital Latvia
Classification: Likely benign. Last evaluated: 2025-02-16. Review status: criteria provided, single submitter. Criteria: ACMG Guidelines, 2015. Collection method: clinical testing. Allele origin: germline. Affected: yes.

Blueprint Genetics
Classification: Likely benign. Last evaluated: 2024-11-27. Review status: criteria provided, single submitter. Criteria: ACMG Guidelines, 2015. Collection method: clinical testing. Allele origin: germline.

CeGaT Center for Human Genetics Tuebingen
Classification: Benign. Last evaluated: 2024-07-01. Review status: criteria provided, single submitter. Criteria: CeGaT Center For Human Genetics Tuebingen Variant Classification Criteria Version 2. Collection method: clinical testing. Allele origin: germline. Affected: yes. Observed: 14 variant alleles.
Comment: RAI1: BS1, BS2

GeneDx
Classification: Benign. Last evaluated: 2018-12-05. Review status: criteria provided, single submitter. Criteria: GeneDx Variant Classification Process June 2021. Collection method: clinical testing. Allele origin: germline. Affected: yes.

Ambry Genetics
Classification: Likely benign for Inborn genetic diseases. Last evaluated: 2018-07-19. Review status: criteria provided, single submitter. Criteria: Ambry Variant Classification Scheme 2023. Collection method: clinical testing. Allele origin: germline.

Center for Pediatric Genomic Medicine, Children's Mercy Hospital and Clinics
Classification: Benign. Last evaluated: 2017-10-03. Review status: criteria provided, single submitter. Criteria: ACMG Guidelines, 2015. Collection method: clinical testing. Allele origin: germline.

Eurofins Ntd Llc (ga)
Classification: Benign. Last evaluated: 2015-03-02. Review status: criteria provided, single submitter. Criteria: EGL Classification Definitions 2015. Collection method: clinical testing. Allele origin: germline. Observed: 1 variant allele, 1 heterozygote.

PreventionGenetics, part of Exact Sciences
Classification: Benign for RAI1-related condition. Last evaluated: 2019-07-04. Review status: no assertion criteria provided. Collection method: clinical testing. Allele origin: germline. Not counted in ClinVar's aggregate classification.
Comment: This variant is classified as benign based on ACMG/AMP sequence variant interpretation guidelines (Richards et al. 2015 PMID: 25741868, with internal and published modifications).